The following is an entry in ClinVar:

NM_020631.6(PLEKHG5):c.2589T>C (p.Pro863=)

Gene: PLEKHG5 (pleckstrin homology and RhoGEF domain containing G5; minus strand). Cytogenetic location: 1p36.31.
Variant type: single nucleotide variant.
Coding change: c.2589T>C on transcript NM_020631.6 (MANE Select); coding-DNA position 2589, T replaced by C.
Protein change: p.Pro863=; no amino-acid change (proline 863 retained).
Molecular consequence: synonymous variant.
Genome position (GRCh38, 1-based): chr1:6,468,247, A>G on the plus strand (T>C on the coding strand, the complement: PLEKHG5 is on the minus strand). VCF-style: chr1-6468247-A-G. GRCh37 (hg19) VCF-style: chr1-6528307-A-G.
Other names: c.2589T>C (NM_020631.4); c.2700T>C, p.Pro900= (NM_001042663.3, NM_001265592.2); c.2589T>C, p.Pro863= (NM_001042664.2, NM_001042665.2, NM_001265594.3 and 1 more transcripts); c.2796T>C, p.Pro932= (NM_001265593.2).
Identifiers: ClinVar variation 2082544 (VCV002082544.5), dbSNP rs1403455218, ClinGen allele CA416022818.
Genomic context (GRCh38, chr1:6,468,247, plus strand): 5'-GAGGAGGCTGGCCTCGGACTTAGACTTGAGCAGGTGGGGCGGGCAGCTCAACAGCTGGAC[A>G]GGGGTGCGGCGGCGGAGACGGGGCGAGGGTGGAGGGGAAGGAACTCGTGGGGACTCTGGG-3'
Protein context (NP_065682.2, residues 853-873): PPSPRLRRRT[Pro863=]VQLLSCPPHL

ClinVar aggregate classification (germline): Likely benign. Review status: criteria provided, multiple submitters, no conflicts (2 of 4 stars). 2 submissions from 2 submitters: Likely benign (2). Last evaluated 2025-04-28.

Conditions:
Neuronopathy, distal hereditary motor, autosomal recessive 4. Also called: NEUROPATHY, DISTAL HEREDITARY MOTOR, AUTOSOMAL RECESSIVE 4; Autosomal recessive lower motor neuron disease with childhood onset. Identifiers: Orphanet 206580, MedGen C1970211, MONDO:0012608, OMIM 611067.
Charcot-Marie-Tooth disease recessive intermediate C. Also called: CHARCOT-MARIE-TOOTH NEUROPATHY, RECESSIVE INTERMEDIATE C. Identifiers: Orphanet 369867, MedGen C3809309, MONDO:0014154, OMIM 615376.
PLEKHG5-related disorder. Also called: PLEKHG5-related condition.

Allele frequency attached by ClinVar (database versions not stated): gnomAD exomes 0.00001.
gnomAD v4.1: 8 of 1,600,392 alleles (0.0005%); highest among the groups gnomAD compares: Non-Finnish European, 0.00068%; no homozygotes.

Submissions (2):

PreventionGenetics, part of Exact Sciences
Classification: Likely benign for PLEKHG5-related condition. Last evaluated: 2025-04-28. Review status: criteria provided, single submitter. Criteria: ACMG Guidelines, 2015. Collection method: clinical testing. Allele origin: germline.
Comment: This variant is classified as likely benign based on ACMG/AMP sequence variant interpretation guidelines (Richards et al. 2015 PMID: 25741868, with internal and published modifications).

Labcorp Genetics (formerly Invitae), Labcorp
Classification: Likely benign for Neuronopathy, distal hereditary motor, autosomal recessive 4; Charcot-Marie-Tooth disease recessive intermediate C. Last evaluated: 2022-03-20. Review status: criteria provided, single submitter. Criteria: Invitae Variant Classification Sherloc (09022015). Collection method: clinical testing. Allele origin: germline.